The following is an entry in ClinVar:

ClinVar aggregate classification (germline): Uncertain significance (1 of 4 stars; one submission).

Conditions:
Hereditary breast ovarian cancer syndrome. Also called: Hereditary breast and ovarian cancer syndrome (HBOC); Hereditary breast and ovarian cancer; Breast and ovarian cancer; Hereditary breast and/or ovarian cancer syndrome; BRCA1- and BRCA2-Associated Hereditary Breast and Ovarian Cancer; Hereditary breast and ovarian cancer syndrome. Identifiers: Orphanet 145, MedGen C0677776, MeSH D061325, MONDO:0003582. Disease mechanism: loss of function.

Submission:

Labcorp Genetics (formerly Invitae), Labcorp
Classification: Uncertain significance for Hereditary breast ovarian cancer syndrome. Last evaluated: 2025-11-19. Review status: criteria provided, single submitter. Criteria: Invitae Variant Classification Sherloc (09022015). Collection method: clinical testing. Allele origin: germline.
Comment: This sequence change replaces serine, which is neutral and polar, with isoleucine, which is neutral and non-polar, at codon 3400 of the BRCA2 protein (p.Ser3400Ile). This variant is not present in population databases (gnomAD no frequency). This variant has not been reported in the literature in individuals affected with BRCA2-related conditions. Invitae Evidence Modeling of protein sequence and biophysical properties (such as structural, functional, and spatial information, amino acid conservation, physicochemical variation, residue mobility, and thermodynamic stability) indicates that this missense variant is not expected to disrupt BRCA2 protein function with a negative predictive value of 95%. In summary, the available evidence is currently insufficient to determine the role of this variant in disease. Therefore, it has been classified as a Variant of Uncertain Significance.

NM_000059.4(BRCA2):c.10199G>T (p.Ser3400Ile)

Gene: BRCA2 (BRCA2 DNA repair associated; plus strand). Cytogenetic location: 13q13.1.
Variant type: single nucleotide variant.
Coding change: c.10199G>T on transcript NM_000059.4 (MANE Select); coding-DNA position 10199, G replaced by T.
Protein change: p.Ser3400Ile; replaces serine 3400 with isoleucine.
Molecular consequence: missense variant. On other transcripts: non-coding transcript variant (1).
Genome position (GRCh38, 1-based): chr13:32,398,712, G>T. VCF-style: chr13-32398712-G-T. GRCh37 (hg19) VCF-style: chr13-32972849-G-T.
Other names: c.10103G>T, p.Ser3368Ile (NM_001406719.1); c.10148G>T, p.Ser3383Ile (NM_001406720.1); c.5267G>T, p.Ser1756Ile (NM_001406721.1); c.3782G>T, p.Ser1261Ile (NM_001406722.1); c.10199G>T, p.Ser3400Ile (NM_001432077.1); short protein forms S1261I, S1756I, S3368I, S3383I, S3400I.
Identifiers: ClinVar variation 4802372 (VCV004802372.1).